The following is an entry in ClinVar:

ClinVar aggregate classification (germline): Benign. Review status: criteria provided, multiple submitters, no conflicts (2 of 4 stars). 13 submissions from 11 submitters: Benign (10). 3 of the submissions do not count toward it. Last evaluated 2026-03-15.

Conditions:
Neuromuscular disease caused by qualitative or quantitative defects of dysferlin. Also called: Qualitative or quantitative defects of dysferlin; Dysferlinopathy. Identifiers: Orphanet 207073, MedGen C2931687, MONDO:0016145.
Autosomal recessive limb-girdle muscular dystrophy type 2B (LGMDR2). Also called: MUSCULAR DYSTROPHY, LIMB-GIRDLE, TYPE 3; Limb-girdle muscular dystrophy, type 2B; Limb-Girdle Muscular Dystrophy Type 2B (LGMD2B); MUSCULAR DYSTROPHY, LIMB-GIRDLE, AUTOSOMAL RECESSIVE 2. Identifiers: Orphanet 268, MedGen C1850889, MONDO:0009676, OMIM 253601.
Miyoshi muscular dystrophy 1 (MMD1). Identifiers: Orphanet 45448, MedGen C4551973, MONDO:0024545, OMIM 254130.
Distal myopathy with anterior tibial onset. Identifiers: Orphanet 178400, MedGen C1847532, MONDO:0011721, OMIM 606768.

Allele frequency attached by ClinVar (database versions not stated): 1000 Genomes Project 0.36781; 1000 Genomes Project 30x 0.37086; TOPMed 0.47409; ExAC 0.47554; gnomAD 0.47773 and 0.48623; gnomAD exomes 0.47900 and 0.51527; ESP Exome Variant Server 0.49608.
gnomAD v4.1: 822,466 of 1,609,198 alleles (51%); highest among the groups gnomAD compares: Non-Finnish European, 54%; 216,194 homozygotes.

Submissions (13):

Women's Health and Genetics/Laboratory Corporation of America, LabCorp
Classification: Benign. Last evaluated: 2026-03-15. Review status: criteria provided, single submitter. Criteria: LabCorp Variant Classification Summary - May 2015. Collection method: clinical testing. Allele origin: germline.

Labcorp Genetics (formerly Invitae), Labcorp
Classification: Benign for Neuromuscular disease caused by qualitative or quantitative defects of dysferlin. Last evaluated: 2026-02-04. Review status: criteria provided, single submitter. Criteria: Invitae Variant Classification Sherloc (09022015). Collection method: clinical testing. Allele origin: germline.

Blueprint Genetics
Classification: Benign. Last evaluated: 2024-11-26. Review status: criteria provided, single submitter. Criteria: ACMG Guidelines, 2015. Collection method: clinical testing. Allele origin: germline.

Genome-Nilou Lab
Classification: Benign for Autosomal recessive limb-girdle muscular dystrophy type 2B. Last evaluated: 2021-07-30. Review status: criteria provided, single submitter. Criteria: ACMG Guidelines, 2015. Collection method: clinical testing. Allele origin: germline. Affected: no.

Genome-Nilou Lab
Classification: Benign for Distal myopathy with anterior tibial onset. Last evaluated: 2021-07-30. Review status: criteria provided, single submitter. Criteria: ACMG Guidelines, 2015. Collection method: clinical testing. Allele origin: germline. Affected: no.

Genome-Nilou Lab
Classification: Benign for Miyoshi muscular dystrophy 1. Last evaluated: 2021-06-10. Review status: criteria provided, single submitter. Criteria: ACMG Guidelines, 2015. Collection method: clinical testing. Allele origin: germline. Affected: no.

GeneDx
Classification: Benign. Last evaluated: 2016-01-05. Review status: criteria provided, single submitter. Criteria: GeneDx Variant Classification (06012015). Collection method: clinical testing. Allele origin: germline. Affected: yes.
Comment: This variant is considered likely benign or benign based on one or more of the following criteria: it is a conservative change, it occurs at a poorly conserved position in the protein, it is predicted to be benign by multiple in silico algorithms, and/or has population frequency not consistent with disease.

Eurofins Ntd Llc (ga)
Classification: Benign. Last evaluated: 2013-07-29. Review status: criteria provided, single submitter. Criteria: EGL Classification Definitions 2015. Collection method: clinical testing. Allele origin: germline. Observed: 145 variant alleles, 85 heterozygotes, 60 homozygotes.

Breakthrough Genomics
Classification: Benign. Review status: criteria provided, single submitter. Criteria: ACMG Guidelines, 2015. Collection method: not provided. Allele origin: germline. Inheritance: Autosomal recessive inheritance. Affected: yes.

PreventionGenetics, part of Exact Sciences
Classification: Benign. Review status: criteria provided, single submitter. Criteria: ACMG Guidelines, 2015. Collection method: clinical testing. Allele origin: germline.

Clinical Genetics, Academic Medical Center
Classification: Benign. Review status: no assertion criteria provided. Collection method: clinical testing. Allele origin: germline. Affected: yes. Study: VKGL Data-share Consensus. Not counted in ClinVar's aggregate classification.

Diagnostic Laboratory, Department of Genetics, University Medical Center Groningen
Classification: Benign. Review status: no assertion criteria provided. Collection method: clinical testing. Allele origin: germline. Affected: yes. Study: VKGL Data-share Consensus. Not counted in ClinVar's aggregate classification.

Joint Genome Diagnostic Labs from Nijmegen and Maastricht, Radboudumc and MUMC+
Classification: Benign. Review status: no assertion criteria provided. Collection method: clinical testing. Allele origin: germline. Affected: yes. Study: VKGL Data-share Consensus. Not counted in ClinVar's aggregate classification.

NM_001130987.2(DYSF):c.1034-20G>A

Gene: DYSF (dysferlin; plus strand). Cytogenetic location: 2p13.2.
Variant type: single nucleotide variant.
Coding change: c.1034-20G>A on transcript NM_001130987.2 (MANE Select); 20 bases into the intron before coding-DNA position 1034, G replaced by A.
Molecular consequence: intron variant.
Genome position (GRCh38, 1-based): chr2:71,520,769, G>A. VCF-style: chr2-71520769-G-A. GRCh37 (hg19) VCF-style: chr2-71747899-G-A.
Other names: c.1031-20G>A (NM_001130979.2, NM_001130981.2, NM_001130980.2); c.938-20G>A (NM_001130978.2, NM_003494.4, NM_001130977.2 and 1 more transcripts); c.1034-20G>A (NM_001130982.2, NM_001130985.2); c.941-20G>A (NM_001130983.2, NM_001130455.2, NM_001130984.2 and 1 more transcripts).
Identifiers: ClinVar variation 94368 (VCV000094368.26), dbSNP rs12713756, ClinGen allele CA147778.